The following is an entry in ClinVar:

NM_001379291.1(BRD4):c.646C>T (p.Pro216Ser)

Gene: BRD4 (bromodomain containing 4; minus strand). Cytogenetic location: 19p13.12.
Variant type: single nucleotide variant.
Coding change: c.646C>T on transcript NM_001379291.1 (MANE Select); coding-DNA position 646, C replaced by T.
Protein change: p.Pro216Ser; replaces proline 216 with serine.
Molecular consequence: missense variant.
Genome position (GRCh38, 1-based): chr19:15,265,557, G>A on the plus strand (C>T on the coding strand, the complement: BRD4 is on the minus strand). VCF-style: chr19-15265557-G-A. GRCh37 (hg19) VCF-style: chr19-15376368-G-A.
Other names: c.646C>T, p.Pro216Ser (NM_001330384.2, NM_001379292.1, NM_014299.3 and 1 more transcripts); c.646C>T (NM_058243.2); short protein forms P216S.
Identifiers: ClinVar variation 2767528 (VCV002767528.4), dbSNP rs758207588, ClinGen allele CA9265578.

ClinVar aggregate classification (germline): Uncertain significance. Review status: criteria provided, multiple submitters, no conflicts (2 of 4 stars). 2 submissions from 2 submitters: Uncertain significance (2). Last evaluated 2025-08-11.

Conditions:
Inborn genetic diseases. Identifiers: MedGen C0950123, MeSH D030342.

Allele frequency attached by ClinVar (database versions not stated): gnomAD exomes below 0.00001; TOPMed 0.00001; ExAC 0.00002; gnomAD 0.00003.

Submissions (2):

Ambry Genetics
Classification: Uncertain significance for Inborn genetic diseases. Last evaluated: 2025-08-11. Review status: criteria provided, single submitter. Criteria: Ambry Variant Classification Scheme 2023. Collection method: clinical testing. Allele origin: germline.

Labcorp Genetics (formerly Invitae), Labcorp
Classification: Uncertain significance. Last evaluated: 2023-05-01. Review status: criteria provided, single submitter. Criteria: Invitae Variant Classification Sherloc (09022015). Collection method: clinical testing. Allele origin: germline.
Comment: This sequence change replaces proline, which is neutral and non-polar, with serine, which is neutral and polar, at codon 216 of the BRD4 protein (p.Pro216Ser). This variant is present in population databases (rs758207588, gnomAD 0.01%). In summary, the available evidence is currently insufficient to determine the role of this variant in disease. Therefore, it has been classified as a Variant of Uncertain Significance. Advanced modeling of protein sequence and biophysical properties (such as structural, functional, and spatial information, amino acid conservation, physicochemical variation, residue mobility, and thermodynamic stability) performed at Invitae indicates that this missense variant is not expected to disrupt BRD4 protein function. This variant has not been reported in the literature in individuals affected with BRD4-related conditions.